The following is an entry in ClinVar:

ClinVar aggregate classification (germline): Uncertain significance (1 of 4 stars; one submission).

Submission:

Labcorp Genetics (formerly Invitae), Labcorp
Classification: Uncertain significance. Last evaluated: 2021-09-26. Review status: criteria provided, single submitter. Criteria: Invitae Variant Classification Sherloc (09022015). Collection method: clinical testing. Allele origin: germline.
Comment: This sequence change replaces serine with leucine at codon 158 of the SERPING1 protein (p.Ser158Leu). The serine residue is weakly conserved and there is a large physicochemical difference between serine and leucine. This variant is not present in population databases (ExAC no frequency). This variant has not been reported in the literature in individuals affected with SERPING1-related conditions. Advanced modeling of protein sequence and biophysical properties (such as structural, functional, and spatial information, amino acid conservation, physicochemical variation, residue mobility, and thermodynamic stability) performed at Invitae indicates that this missense variant is not expected to disrupt SERPING1 protein function. In summary, the available evidence is currently insufficient to determine the role of this variant in disease. Therefore, it has been classified as a Variant of Uncertain Significance.

NM_000062.3(SERPING1):c.473C>T (p.Ser158Leu)

Gene: SERPING1 (serpin family G member 1; plus strand). Cytogenetic location: 11q12.1.
Variant type: single nucleotide variant.
Coding change: c.473C>T on transcript NM_000062.3 (MANE Select); coding-DNA position 473, C replaced by T.
Protein change: p.Ser158Leu; replaces serine 158 with leucine.
Molecular consequence: missense variant.
Genome position (GRCh38, 1-based): chr11:57,600,300, C>T. VCF-style: chr11-57600300-C-T. GRCh37 (hg19) VCF-style: chr11-57367773-C-T.
Other names: c.473C>T, p.Ser158Leu (NM_001032295.2); short protein forms S158L.
Identifiers: ClinVar variation 1497993 (VCV001497993.1), dbSNP rs2135308771, ClinGen allele CA380695441.